The following continues an entry in ClinVar:

NM_019066.5(MAGEL2):c.1996dup (p.Gln666fs)

Gene: MAGEL2. ClinVar aggregate classification (germline): Pathogenic. Pathogenic (29).

Submissions 11 to 34 of 34:

CeGaT Center for Human Genetics Tuebingen
Classification: Pathogenic. Last evaluated: 2023-06-01. Review status: criteria provided, single submitter. Criteria: CeGaT Center For Human Genetics Tuebingen Variant Classification Criteria Version 2. Collection method: clinical testing. Allele origin: germline. Affected: yes. Observed: 3 variant alleles.
Comment: MAGEL2: PS2, PS4, PVS1:Strong, PM1, PM2

Duke University Health System Sequencing Clinic, Duke University Health System
Classification: Pathogenic for Schaaf-Yang syndrome. Last evaluated: 2023-04-20. Review status: criteria provided, single submitter. Criteria: ACMG Guidelines, 2015. Collection method: research. Allele origin: de novo. Affected: yes.

Laboratorio de Genetica e Diagnostico Molecular, Hospital Israelita Albert Einstein
Classification: Pathogenic for Schaaf-Yang syndrome. Last evaluated: 2022-11-12. Review status: criteria provided, single submitter. Criteria: ACMG Guidelines, 2015. Collection method: clinical testing. Allele origin: germline. Affected: yes. Observed: 1 variant allele.
Comment: ACMG classification criteria: PVS1 moderated, PM1 moderated, PM6 moderated, PP1 strong

Revvity Omics, Revvity
Classification: Pathogenic for Schaaf-Yang syndrome. Last evaluated: 2022-11-07. Review status: criteria provided, single submitter. Criteria: ACMG Guidelines, 2015. Collection method: clinical testing. Allele origin: germline.

Clinical Genetics Laboratory, Skane University Hospital Lund
Classification: Pathogenic. Last evaluated: 2022-07-13. Review status: criteria provided, single submitter. Criteria: ACMG Guidelines, 2015. Collection method: clinical testing. Allele origin: germline. Affected: yes.

MGZ Medical Genetics Center
Classification: Pathogenic for Schaaf-Yang syndrome. Last evaluated: 2022-03-23. Review status: criteria provided, single submitter. Criteria: ACMG Guidelines, 2015. Collection method: clinical testing. Allele origin: germline. Affected: yes. Observed: 1 variant allele.
Comment: ACMG criteria applied: PVS1, PS2, PM2_SUP, PP1

GeneDx
Classification: Pathogenic. Last evaluated: 2022-03-17. Review status: criteria provided, single submitter. Criteria: GeneDx Variant Classification Process June 2021. Collection method: clinical testing. Allele origin: germline. Affected: yes.
Comment: Reported to be the most common pathogenic variant in the MAGEL2 gene (Fountain et al., 2017; Jobling et al., 2018); Inheritance from unaffected fathers, including a mosaic father, has been reported, as has suspected germline mosaicism (Soden et al., 2014; Aten et al., 2016; Palomares-Bralo et al., 2017; Jobling et al., 2018); Frameshift variant in the C-terminus predicted to result in protein truncation, as the last 584 amino acids are lost and replaced with 46 incorrect amino acids; This variant is associated with the following publications: (PMID: 28640240, 25473036, 28281571, 27632685, 29660409, 29599419, 29581464, 27195816, 29496979, 30859550, 31504653, 31791363, 31397880, 31607746, 33076953, 34008892)

Laboratory of Molecular Genetics (Pr. Bezieau's lab), CHU de Nantes
Classification: Pathogenic for Neurodevelopmental disorder. Last evaluated: 2022-01-21. Review status: criteria provided, single submitter. Criteria: ACMG Guidelines, 2015. Collection method: clinical testing. Allele origin: germline. Affected: yes.

Blueprint Genetics
Classification: Pathogenic for MAGEL2-related disorders. Last evaluated: 2021-12-29. Review status: criteria provided, single submitter. Criteria: ACMG Guidelines, 2015. Collection method: clinical testing. Allele origin: de novo. Affected: yes. Observed: 3 variant alleles.

Center for Molecular Medicine, Children’s Hospital of Fudan University
Classification: Pathogenic for Schaaf-Yang syndrome. Last evaluated: 2021-05-19. Review status: criteria provided, single submitter. Criteria: ACMG Guidelines, 2015. Collection method: clinical testing. Allele origin: paternal, de novo. Affected: yes.

Institute of Medical Genetics and Applied Genomics, University Hospital Tübingen
Classification: Pathogenic. Last evaluated: 2020-10-23. Review status: criteria provided, single submitter. Criteria: ACMG Guidelines, 2015. Collection method: clinical testing. Allele origin: germline. Inheritance: Unknown mechanism. Affected: yes.

Broad Center for Mendelian Genomics, Broad Institute of MIT and Harvard
Classification: Pathogenic for Schaaf-Yang syndrome. Last evaluated: 2020-05-29. Review status: criteria provided, single submitter. Criteria: ACMG Guidelines, 2015. Collection method: research. Allele origin: germline. Inheritance: Autosomal dominant inheritance.
Comment: Trio genome analysis showed this variant to be de novo. The variant has been reported in 7 individuals with Schaaf-Yang syndrome (including the one from our study), segregated with disease in 3 affected relatives from 2 families (PMID: 25473036, 27195816, 31397880). Data from large population studies is insufficient to assess the frequency of this variant. This variant has also been reported in ClinVar (Variation ID#: 190122) as pathogenic by multiple labs. This variant is predicted to cause a frameshift, which alters the proteinâ€™s amino acid sequence beginning at position 666 and leads to a premature termination codon 47 amino acids downstream. This gene is a single exon gene and is more likely to escape nonsense mediated decay (NMD) and result in a truncated protein. While there is some evidence to suggest that heterozygous loss of function of the MAGEL2 gene is a disease mechanism in Schaaf-Yang syndrome, this association is not yet strongly established based on the criteria laid out in Tayoun, 2018 (PMID: 30192042). Multiple variants in the same region as p.Gln666ProfsTer47 have been reported in association with disease in the literature, suggesting that this variant is in a hot spot and supports pathogenicity (PMID: 31397880). In summary, this variant meets criteria to be classified as pathogenic for Schaaf-Yang syndrome in an autosomal dominant manner based on the presence of multiple probands with disease including a de novo case and the predicted loss of function effect of this variant. ACMG/AMP Criteria applied: PS2, PVS1_moderate, PM1, PS4_supporting, PP1 (Richards 2015).

Laboratorio de Genetica e Diagnostico Molecular, Hospital Israelita Albert Einstein
Classification: Pathogenic. Last evaluated: 2019-12-17. Review status: criteria provided, single submitter. Criteria: ACMG Guidelines, 2015. Collection method: clinical testing. Allele origin: germline. Affected: yes.
Comment: ACMG classification criteria: PVS1, PS4, PM2, PP1

Laboratory of Medical Genetics, National & Kapodistrian University of Athens
Classification: Pathogenic for Schaaf-Yang syndrome. Last evaluated: 2018-07-10. Review status: criteria provided, single submitter. Criteria: ACMG Guidelines, 2015. Collection method: clinical testing. Allele origin: de novo. Affected: yes.
Comment: PVS1, PS2, PP5

Undiagnosed Diseases Network, NIH
Classification: Pathogenic for Schaaf-Yang syndrome. Last evaluated: 2017-05-12. Review status: criteria provided, single submitter. Criteria: ACMG Guidelines, 2015. Collection method: clinical testing. Allele origin: de novo. Inheritance: Autosomal dominant inheritance. Affected: yes. Observed: 2 variant alleles. Study: Undiagnosed Diseases Network (NIH), UDN.

Eurofins Ntd Llc (ga)
Classification: Pathogenic. Last evaluated: 2016-11-14. Review status: criteria provided, single submitter. Criteria: EGL Classification Definitions 2015. Collection method: clinical testing. Allele origin: germline.

Ambry Genetics
Classification: Pathogenic for Inborn genetic diseases. Last evaluated: 2015-03-20. Review status: criteria provided, single submitter. Criteria: Ambry exome assertion method (8-5-2015). Collection method: clinical testing. Allele origin: germline. Affected: yes. Observed: 3 variant alleles. Clinical features observed: Congenital contracture (HP:0002803), Global developmental delay (HP:0001263), Nystagmus (HP:0000639), Central apnea (HP:0002871), Diabetes insipidus (HP:0000873), Flexion contracture (HP:0001371), Overlapping toe (HP:0001845), Decreased muscle mass (HP:0003199), Protruding ear (HP:0000411), Ptosis (HP:0000508), Micrognathia (HP:0000347), Tongue thrusting (HP:0100703), and 24 more.

Centre de Biologie Pathologie Génétique, Centre Hospitalier Universitaire de Lille
Classification: Pathogenic for Neurodevelopmental delay. Review status: criteria provided, single submitter. Criteria: ACMG Guidelines, 2015. Collection method: clinical testing. Allele origin: unknown. Affected: yes.

Juno Genomics, Hangzhou Juno Genomics, Inc
Classification: Pathogenic for Schaaf-Yang syndrome. Review status: criteria provided, single submitter. Criteria: ACMG Guidelines, 2015. Collection method: clinical testing. Allele origin: germline. Affected: yes.
Comment: Null variant in a gene where loss of function (LOF) is a known mechanism of disease.;The prevalence of the variant in affected individuals is significantly increased compared to the prevalence in controls.;De novo (both maternity and paternity confirmed) in a patient with the disease and no family history.;Patient's phenotype or family history is highly specific for a disease with a single genetic etiology.;Absent from controls (or at extremely low frequency if recessive) in Genome Aggregation Database, Exome Sequencing Project, 1000 Genomes Project, or Exome Aggregation Consortium.

Department Of Pediatrics And Neonatology, Nagoya City University Graduate School Of Medical Sciences
Classification: Pathogenic for Schaaf-Yang syndrome. Last evaluated: 2018-06-25. Review status: no assertion criteria provided. Collection method: clinical testing. Allele origin: de novo. Affected: yes. Observed: 1 variant allele. Not counted in ClinVar's aggregate classification.

OMIM
Classification: Pathogenic for SCHAAF-YANG SYNDROME. Last evaluated: 2014-12-03. Review status: no assertion criteria provided. Collection method: literature only. Allele origin: germline. Not counted in ClinVar's aggregate classification.

Diagnostic Laboratory, Department of Genetics, University Medical Center Groningen
Classification: Pathogenic. Review status: no assertion criteria provided. Collection method: clinical testing. Allele origin: germline. Affected: yes. Study: VKGL Data-share Consensus. Not counted in ClinVar's aggregate classification.

GeneReviews
No classification provided. Condition: Prader-Willi-like syndrome. Review status: no classification provided. Collection method: literature only. Allele origin: germline. Not counted in ClinVar's aggregate classification.
Comment: Recurrent severe pathogenic variant

Laboratory of Diagnostic Genome Analysis, Leiden University Medical Center (LUMC)
Classification: Pathogenic. Review status: no assertion criteria provided. Collection method: clinical testing. Allele origin: germline. Affected: yes. Study: VKGL Data-share Consensus. Not counted in ClinVar's aggregate classification.

Literature cited by the submitters: PubMed 27195816 (cited by 5 submitters); PubMed 29599419 (cited by Variantyx, Inc. and OMIM); PubMed 25473036 (cited by 5 submitters); PubMed 32702813 (cited by Variantyx, Inc.); PubMed 37404980 (cited by Variantyx, Inc.); PubMed 36836222 (cited by Variantyx, Inc.); PubMed 30302899 (cited by 3 submitters); PubMed 27632685 (cited by 3 submitters); PubMed 31397880 (cited by Dasa); PubMed 37533374 (cited by Dasa); PubMed 32021601 (cited by Victorian Clinical Genetics Services, Murdoch Childrens Research Institute); PubMed 33371171 (cited by Victorian Clinical Genetics Services, Murdoch Childrens Research Institute); PubMed 29660409 (cited by OMIM); NCBI Bookshelf NBK567492 (cited by GeneReviews).